The following is an entry in ClinVar:

NM_001035.3(RYR2):c.14757-19A>C

Gene: RYR2 (ryanodine receptor 2; plus strand). Cytogenetic location: 1q43.
Variant type: single nucleotide variant.
Coding change: c.14757-19A>C on transcript NM_001035.3 (MANE Select); 19 bases into the intron before coding-DNA position 14757, A replaced by C.
Molecular consequence: intron variant.
Genome position (GRCh38, 1-based): chr1:237,831,495, A>C. VCF-style: chr1-237831495-A-C. GRCh37 (hg19) VCF-style: chr1-237994795-A-C.
Other names: c.14757-19A>C (LRG_402t1).
Identifiers: ClinVar variation 382574 (VCV000382574.1), dbSNP rs190533014, ClinGen allele CA16603664.

ClinVar aggregate classification (germline): Likely benign (1 of 4 stars; one submission).

gnomAD v4.1: 18 of 1,402,672 alleles (0.0013%); highest among the groups gnomAD compares: South Asian, 0.0024%; no homozygotes.

Submission:

GeneDx
Classification: Likely benign. Last evaluated: 2015-12-31. Review status: criteria provided, single submitter. Criteria: GeneDx Variant Classification (06012015). Collection method: clinical testing. Allele origin: germline. Affected: yes.
Comment: This variant is considered likely benign or benign based on one or more of the following criteria: it is a conservative change, it occurs at a poorly conserved position in the protein, it is predicted to be benign by multiple in silico algorithms, and/or has population frequency not consistent with disease.